The following is an entry in ClinVar:

ClinVar aggregate classification (germline): Conflicting classifications of pathogenicity. Review status: criteria provided, conflicting classifications (1 of 4 stars). 5 submissions from 5 submitters: Uncertain significance (3); Likely benign (1). 1 of the submissions does not count toward it. Last evaluated 2026-02-16.

Conditions:
Retinitis pigmentosa 26 (RP26). Identifiers: Orphanet 791, MedGen C1842127, MONDO:0012024, OMIM 608380.
CERKL-related disorder. Also called: CERKL-related condition.
Inborn genetic diseases. Identifiers: MedGen C0950123, MeSH D030342.

Allele frequency attached by ClinVar (database versions not stated): gnomAD exomes 0.00006; ExAC 0.00007; ESP Exome Variant Server 0.00015; gnomAD 0.00018 and 0.00019; TOPMed 0.00019.
gnomAD v4.1: 62 of 1,606,054 alleles (0.0039%); highest among the groups gnomAD compares: African/African-American, 0.07%; no homozygotes.

Submissions (5):

PreventionGenetics, part of Exact Sciences
Classification: Uncertain significance for CERKL-related condition. Last evaluated: 2026-02-16. Review status: criteria provided, single submitter. Criteria: ACMG Guidelines, 2015. Collection method: clinical testing. Allele origin: germline.
Comment: The CERKL c.1530G>C variant is predicted to result in the amino acid substitution p.Glu510Asp. To our knowledge, this variant has not been previously reported in an individual with an established CERKL-related disorder, but was identified in a large cohort of individuals with developmental disorders (supplementary data, Kaplanis et al. 2020. PubMed ID: 33057194). However, this variant is reported in 0.056% of alleles in individuals of African descent in gnomAD, which may be too frequent to be a primary cause of disease. Although we suspect that this variant may be benign, at this time, the clinical significance of this variant is uncertain due to the absence of conclusive functional and genetic evidence.

Labcorp Genetics (formerly Invitae), Labcorp
Classification: Likely benign. Last evaluated: 2025-12-20. Review status: criteria provided, single submitter. Criteria: Invitae Variant Classification Sherloc (09022015). Collection method: clinical testing. Allele origin: germline.

Ambry Genetics
Classification: Uncertain significance for Inborn genetic diseases. Last evaluated: 2025-12-10. Review status: criteria provided, single submitter. Criteria: Ambry Variant Classification Scheme 2023. Collection method: clinical testing. Allele origin: germline.

Blueprint Genetics
Classification: Uncertain significance. Last evaluated: 2023-05-04. Review status: criteria provided, single submitter. Criteria: ACMG Guidelines, 2015. Collection method: clinical testing. Allele origin: germline.

Natera, Inc.
Classification: Uncertain significance for Retinitis Pigmentosa 26. Last evaluated: 2020-07-14. Review status: no assertion criteria provided. Collection method: clinical testing. Allele origin: germline. Not counted in ClinVar's aggregate classification.

NM_201548.5(CERKL):c.1452G>C (p.Glu484Asp)

Gene: CERKL (CERK like autophagy regulator; minus strand). Cytogenetic location: 2q31.3.
Variant type: single nucleotide variant.
Coding change: c.1452G>C on transcript NM_201548.5 (MANE Select); coding-DNA position 1452, G replaced by C.
Protein change: p.Glu484Asp; replaces glutamic acid 484 with aspartic acid.
Molecular consequence: missense variant. On other transcripts: non-coding transcript variant (2).
Genome position (GRCh38, 1-based): chr2:181,539,178, C>G on the plus strand (G>C on the coding strand, the complement: CERKL is on the minus strand). VCF-style: chr2-181539178-C-G. GRCh37 (hg19) VCF-style: chr2-182403905-C-G.
Other names: c.1530G>C, p.Glu510Asp (NM_001030311.3); c.1113G>C, p.Glu371Asp (NM_001030312.3); c.1245G>C, p.Glu415Asp (NM_001030313.3); c.1398G>C, p.Glu466Asp (NM_001160277.2); short protein forms E484D, E510D, E371D, E415D, E466D.
Identifiers: ClinVar variation 964927 (VCV000964927.10), dbSNP rs146279858, ClinGen allele CA2010424.